The following is an entry in ClinVar:

ClinVar aggregate classification (germline): Conflicting classifications of pathogenicity. Review status: criteria provided, conflicting classifications (1 of 4 stars). 4 submissions from 4 submitters: Uncertain significance (3); Likely benign (1). Last evaluated 2024-12-18.

Conditions:
Cardiovascular phenotype. Identifiers: MedGen CN230736.

Allele frequency attached by ClinVar (database versions not stated): gnomAD exomes 0.00002 and 0.00006; gnomAD 0.00005; TOPMed 0.00006; ExAC 0.00016.
gnomAD v4.1: 32 of 1,536,808 alleles (0.0021%); highest among the groups gnomAD compares: East Asian, 0.02%; no homozygotes.

Submissions (4):

Labcorp Genetics (formerly Invitae), Labcorp
Classification: Uncertain significance. Last evaluated: 2024-12-18. Review status: criteria provided, single submitter. Criteria: Invitae Variant Classification Sherloc (09022015). Collection method: clinical testing. Allele origin: germline.
Comment: This sequence change replaces proline, which is neutral and non-polar, with leucine, which is neutral and non-polar, at codon 33 of the ZNF469 protein (p.Pro33Leu). This variant is present in population databases (rs752770883, gnomAD 0.07%). This variant has not been reported in the literature in individuals affected with ZNF469-related conditions. ClinVar contains an entry for this variant (Variation ID: 320848). An algorithm developed to predict the effect of missense changes on protein structure and function (PolyPhen-2) suggests that this variant¬†is likely to be tolerated. In summary, the available evidence is currently insufficient to determine the role of this variant in disease. Therefore, it has been classified as a Variant of Uncertain Significance.

Ambry Genetics
Classification: Likely benign for Cardiovascular phenotype. Last evaluated: 2023-05-22. Review status: criteria provided, single submitter. Criteria: Ambry Variant Classification Scheme 2023. Collection method: clinical testing. Allele origin: germline.

CeGaT Center for Human Genetics Tuebingen
Classification: Uncertain significance. Last evaluated: 2018-05-01. Review status: criteria provided, single submitter. Criteria: CeGaT Center For Human Genetics Tuebingen Variant Classification Criteria Version 2. Collection method: clinical testing. Allele origin: germline. Affected: yes. Observed: 1 variant allele.

Breakthrough Genomics
Classification: Uncertain significance. Review status: criteria provided, single submitter. Criteria: ACMG Guidelines, 2015. Collection method: not provided. Allele origin: germline. Inheritance: Autosomal recessive inheritance. Affected: yes.

NM_001367624.2(ZNF469):c.98C>T (p.Pro33Leu)

Gene: ZNF469 (zinc finger protein 469; plus strand). Cytogenetic location: 16q24.2.
Variant type: single nucleotide variant.
Coding change: c.98C>T on transcript NM_001367624.2 (MANE Select); coding-DNA position 98, C replaced by T.
Protein change: p.Pro33Leu; replaces proline 33 with leucine.
Molecular consequence: missense variant.
Genome position (GRCh38, 1-based): chr16:88,427,568, C>T. VCF-style: chr16-88427568-C-T. GRCh37 (hg19) VCF-style: chr16-88493976-C-T.
Other names: short protein forms P33L.
Identifiers: ClinVar variation 320848 (VCV000320848.51), dbSNP rs752770883, ClinGen allele CA8224569.